The following is an entry in ClinVar:

NM_001371727.1(GABRB2):c.78-3T>C

Gene: GABRB2 (gamma-aminobutyric acid type A receptor subunit beta2; minus strand). Cytogenetic location: 5q34.
Variant type: single nucleotide variant.
Coding change: c.78-3T>C on transcript NM_001371727.1 (MANE Select); 3 bases into the intron before coding-DNA position 78, T replaced by C.
Molecular consequence: intron variant.
Genome position (GRCh38, 1-based): chr5:161,546,416, A>G on the plus strand (T>C on the coding strand, the complement: GABRB2 is on the minus strand). VCF-style: chr5-161546416-A-G. GRCh37 (hg19) VCF-style: chr5-160973422-A-G.
Other names: c.78-3T>C (NM_000813.3, NM_021911.3).
Identifiers: ClinVar variation 2811166 (VCV002811166.3), dbSNP rs1224952621, ClinGen allele CA564438481.

ClinVar aggregate classification (germline): Uncertain significance (1 of 4 stars; one submission).

Conditions:
Intellectual disability. Also called: Intellectual functioning disability; intellectual disabilities; Intellectual developmental disorder. Identifiers: MedGen C3714756, MeSH D008607, MONDO:0001071, HP:0001249.

Submission:

Labcorp Genetics (formerly Invitae), Labcorp
Classification: Uncertain significance for Intellectual disability. Last evaluated: 2023-08-10. Review status: criteria provided, single submitter. Criteria: Invitae Variant Classification Sherloc (09022015). Collection method: clinical testing. Allele origin: germline.
Comment: This sequence change falls in intron 2 of the GABRB2 gene. It does not directly change the encoded amino acid sequence of the GABRB2 protein. It affects a nucleotide within the consensus splice site. In summary, the available evidence is currently insufficient to determine the role of this variant in disease. Therefore, it has been classified as a Variant of Uncertain Significance. Variants that disrupt the consensus splice site are a relatively common cause of aberrant splicing (PMID: 17576681, 9536098). Algorithms developed to predict the effect of sequence changes on RNA splicing suggest that this variant is not likely to affect RNA splicing. This variant has not been reported in the literature in individuals affected with GABRB2-related conditions. This variant is not present in population databases (gnomAD no frequency).

Literature cited by the submitters: PubMed 17576681; PubMed 9536098.